The following is an entry in ClinVar:

ClinVar aggregate classification (germline): Conflicting classifications of pathogenicity. Review status: criteria provided, conflicting classifications (1 of 4 stars). 3 submissions from 3 submitters: Uncertain significance (1); Benign (1). 1 of the submissions does not count toward it. Last evaluated 2025-05-13.

Conditions:
Tuberous sclerosis syndrome (TSC). Also called: Tuberous Sclerosis Complex; Tuberous sclerosis. Identifiers: Orphanet 805, MedGen C0041341, MONDO:0001734.
Tuberous sclerosis 2 (TSC2). Identifiers: Orphanet 805, MedGen C1860707, MONDO:0013199, OMIM 613254.

Allele frequency attached by ClinVar (database versions not stated): TOPMed 0.00001.
gnomAD v4.1: 3 of 1,614,096 alleles (0.00019%); highest among the groups gnomAD compares: Non-Finnish European, 0.00025%; no homozygotes.

Submissions (3):

Myriad Genetics, Inc.
Classification: Benign for Tuberous sclerosis 2. Last evaluated: 2025-05-13. Review status: criteria provided, single submitter. Criteria: Myriad Autosomal Dominant, Autosomal Recessive and X-Linked Classification Criteria (2023). Collection method: clinical testing. Allele origin: unknown.
Comment: This variant is considered benign. This variant is a silent/synonymous amino acid change and it is not expected to impact splicing.

Labcorp Genetics (formerly Invitae), Labcorp
Classification: Uncertain significance for Tuberous sclerosis 2. Last evaluated: 2023-01-08. Review status: criteria provided, single submitter. Criteria: Invitae Variant Classification Sherloc (09022015). Collection method: clinical testing. Allele origin: germline.
Comment: This variant has not been reported in the literature in individuals affected with TSC2-related conditions. This variant is present in population databases (rs45468201, gnomAD 0.0009%). This sequence change affects codon 343 of the TSC2 mRNA. It is a 'silent' change, meaning that it does not change the encoded amino acid sequence of the TSC2 protein. ClinVar contains an entry for this variant (Variation ID: 49137). In summary, the available evidence is currently insufficient to determine the role of this variant in disease. Therefore, it has been classified as a Variant of Uncertain Significance. Algorithms developed to predict the effect of sequence changes on RNA splicing suggest that this variant may create or strengthen a splice site.

Tuberous sclerosis database (TSC2)
No classification provided. Condition: TSC. Review status: no classification provided. Criteria: Tuberous Sclerosis Database Assertion Criteria 2015. Collection method: curation. Allele origin: germline. Affected: yes. Not counted in ClinVar's aggregate classification.

NM_000548.5(TSC2):c.1029C>T (p.Thr343=)

Gene: TSC2 (TSC complex subunit 2; plus strand). Cytogenetic location: 16p13.3.
Variant type: single nucleotide variant.
Coding change: c.1029C>T on transcript NM_000548.5 (MANE Select); coding-DNA position 1029, C replaced by T.
Protein change: p.Thr343=; no amino-acid change (threonine 343 retained).
Molecular consequence: synonymous variant.
Genome position (GRCh38, 1-based): chr16:2,060,723, C>T. VCF-style: chr16-2060723-C-T. GRCh37 (hg19) VCF-style: chr16-2110724-C-T.
Other names: c.1029C>T, p.Thr343= (NM_001077183.3, NM_001114382.3, NM_001363528.2 and 3 more transcripts); c.918C>T, p.Thr306= (NM_001318827.2); c.882C>T, p.Thr294= (NM_001318829.2); c.429C>T, p.Thr143= (NM_001318831.2); c.1062C>T, p.Thr354= (NM_001318832.2).
Identifiers: ClinVar variation 49137 (VCV000049137.6), dbSNP rs45468201, ClinGen allele CA013612.